The following is an entry in ClinVar:

NM_018006.5(TRMU):c.1081C>T (p.Arg361Cys)

Gene: TRMU (tRNA mitochondrial 2-thiouridylase; plus strand). Cytogenetic location: 22q13.31.
Variant type: single nucleotide variant.
Coding change: c.1081C>T on transcript NM_018006.5 (MANE Select); coding-DNA position 1081, C replaced by T.
Protein change: p.Arg361Cys; replaces arginine 361 with cysteine.
Molecular consequence: missense variant. On other transcripts: non-coding transcript variant (2), intron variant (2).
Genome position (GRCh38, 1-based): chr22:46,356,052, C>T. VCF-style: chr22-46356052-C-T. GRCh37 (hg19) VCF-style: chr22-46751949-C-T.
Other names: c.739C>T, p.Arg247Cys (NM_001282782.2); c.661C>T, p.Arg221Cys (NM_001282783.2); c.1018+464C>T (NM_001282785.2); c.598+464C>T (NM_001282784.2); short protein forms R221C, R247C, R361C.
Identifiers: ClinVar variation 1313305 (VCV001313305.8), dbSNP rs185988821, ClinGen allele CA10292400.

ClinVar aggregate classification (germline): Uncertain significance. Review status: criteria provided, multiple submitters, no conflicts (2 of 4 stars). 3 submissions from 3 submitters: Uncertain significance (3). Last evaluated 2026-02-20.

Conditions:
TRMU-related disorder. Also called: TRMU-related condition.

Allele frequency attached by ClinVar (database versions not stated): gnomAD 0.00008; ExAC 0.00012; TOPMed 0.00013; 1000 Genomes Project 30x 0.00016; 1000 Genomes Project 0.00020.
gnomAD v4.1: 106 of 1,613,970 alleles (0.0066%); highest among the groups gnomAD compares: Admixed American, 0.067%; no homozygotes.

Submissions (3):

PreventionGenetics, part of Exact Sciences
Classification: Uncertain significance for TRMU-related condition. Last evaluated: 2026-02-20. Review status: criteria provided, single submitter. Criteria: ACMG Guidelines, 2015. Collection method: clinical testing. Allele origin: germline.
Comment: The TRMU c.1081C>T variant is predicted to result in the amino acid substitution p.Arg361Cys. This variant has been reported along with a second pathogenic variant in an individual with infantile liver failure (Kerr et al. 2020. PubMed ID: 32980267; Vogel et al. 2023. PubMed ID: 36305855). This variant is reported in 0.082% of alleles in individuals of Latino descent in gnomAD, which may be too common to be an undocumented primary cause of disease. Although we suspect that this variant may be benign, at this time, the clinical significance of this variant is uncertain due to the absence of conclusive functional and genetic evidence.

GeneDx
Classification: Uncertain significance. Last evaluated: 2024-11-19. Review status: criteria provided, single submitter. Criteria: GeneDx Variant Classification Process June 2021. Collection method: clinical testing. Allele origin: germline. Affected: yes.
Comment: Identified in an individual with suspected mitochondrial disease who was also heterozygous for another variant in TRMU; the phase of these variants was not determined (PMID: 32980267); In silico analysis supports that this missense variant has a deleterious effect on protein structure/function; This variant is associated with the following publications: (PMID: 37272928, 36305855, 32980267)

Blueprint Genetics
Classification: Uncertain significance. Last evaluated: 2022-06-03. Review status: criteria provided, single submitter. Criteria: ACMG Guidelines, 2015. Collection method: clinical testing. Allele origin: germline.